The following is an entry in ClinVar:

NM_024529.5(CDC73):c.370G>A (p.Val124Ile)

Gene: CDC73 (cell division cycle 73; plus strand). Cytogenetic location: 1q31.2.
Variant type: single nucleotide variant.
Coding change: c.370G>A on transcript NM_024529.5 (MANE Select); coding-DNA position 370, G replaced by A.
Protein change: p.Val124Ile; replaces valine 124 with isoleucine.
Molecular consequence: missense variant.
Genome position (GRCh38, 1-based): chr1:193,135,453, G>A. VCF-style: chr1-193135453-G-A. GRCh37 (hg19) VCF-style: chr1-193104583-G-A.
Other names: short protein forms V124I.
Identifiers: ClinVar variation 4745410 (VCV004745410.1).

ClinVar aggregate classification (germline): Uncertain significance (1 of 4 stars; one submission).

Conditions:
Parathyroid carcinoma (PRTC). Also called: Parathyroid gland carcinoma; CDC73-Related Parathyroid Carcinoma. Identifiers: Orphanet 143, MedGen C0687150, MONDO:0012004, OMIM 608266, HP:0006780.

gnomAD v4.1: 1 of 1,612,770 alleles (0.000062%); highest among the groups gnomAD compares: Non-Finnish European, 0.000085%; no homozygotes.

Submission:

Labcorp Genetics (formerly Invitae), Labcorp
Classification: Uncertain significance for Parathyroid carcinoma. Last evaluated: 2025-10-21. Review status: criteria provided, single submitter. Criteria: Invitae Variant Classification Sherloc (09022015). Collection method: clinical testing. Allele origin: germline.
Comment: This sequence change replaces valine, which is neutral and non-polar, with isoleucine, which is neutral and non-polar, at codon 124 of the CDC73 protein (p.Val124Ile). This variant also falls at the last nucleotide of exon 4, which is part of the consensus splice site for this exon. This variant is not present in population databases (gnomAD no frequency). This variant has not been reported in the literature in individuals affected with CDC73-related conditions. An algorithm developed to predict the effect of missense changes on protein structure and function (PolyPhen-2) suggests that this variant is likely to be tolerated. Variants that disrupt the consensus splice site are a relatively common cause of aberrant splicing (PMID: 17576681, 9536098). Algorithms developed to predict the effect of sequence changes on RNA splicing suggest that this variant may disrupt the consensus splice site. In summary, the available evidence is currently insufficient to determine the role of this variant in disease. Therefore, it has been classified as a Variant of Uncertain Significance.

Literature cited by the submitters: PubMed 17576681; PubMed 9536098.